The following is an entry in ClinVar:

ClinVar aggregate classification (germline): Uncertain significance (1 of 4 stars; one submission).

Allele frequency attached by ClinVar (database versions not stated): gnomAD exomes below 0.00001 and 0.00001.
gnomAD v4.1: 8 of 1,614,122 alleles (0.0005%); highest among the groups gnomAD compares: Non-Finnish European, 0.00068%; no homozygotes.

Submission:

Labcorp Genetics (formerly Invitae), Labcorp
Classification: Uncertain significance. Last evaluated: 2021-09-01. Review status: criteria provided, single submitter. Criteria: Invitae Variant Classification Sherloc (09022015). Collection method: clinical testing. Allele origin: germline.
Comment: This sequence change replaces proline with serine at codon 356 of the ELP1 protein (p.Pro356Ser). The proline residue is moderately conserved and there is a moderate physicochemical difference between proline and serine. This variant is not present in population databases (ExAC no frequency). This variant has not been reported in the literature in individuals affected with ELP1-related conditions. Algorithms developed to predict the effect of missense changes on protein structure and function are either unavailable or do not agree on the potential impact of this missense change (SIFT: "Tolerated"; PolyPhen-2: "Possibly Damaging"; Align-GVGD: "Class C0"). In summary, the available evidence is currently insufficient to determine the role of this variant in disease. Therefore, it has been classified as a Variant of Uncertain Significance.

NM_003640.5(ELP1):c.1066C>T (p.Pro356Ser)

Gene: ELP1 (elongator acetyltransferase complex subunit 1; minus strand). Cytogenetic location: 9q31.3.
Variant type: single nucleotide variant.
Coding change: c.1066C>T on transcript NM_003640.5 (MANE Select); coding-DNA position 1066, C replaced by T.
Protein change: p.Pro356Ser; replaces proline 356 with serine.
Molecular consequence: missense variant.
Genome position (GRCh38, 1-based): chr9:108,912,387, G>A on the plus strand (C>T on the coding strand, the complement: ELP1 is on the minus strand). VCF-style: chr9-108912387-G-A. GRCh37 (hg19) VCF-style: chr9-111674667-G-A.
Other names: c.724C>T, p.Pro242Ser (NM_001318360.2); c.19C>T, p.Pro7Ser (NM_001330749.2); short protein forms P242S, P356S, P7S.
Identifiers: ClinVar variation 1349627 (VCV001349627.5), dbSNP rs1339454272, ClinGen allele CA374429483.